The following is an entry in ClinVar:

ClinVar aggregate classification (germline): Pathogenic (1 of 4 stars; one submission).

Submission:

Labcorp Genetics (formerly Invitae), Labcorp
Classification: Pathogenic. Last evaluated: 2019-11-05. Review status: criteria provided, single submitter. Criteria: Invitae Variant Classification Sherloc (09022015). Collection method: clinical testing. Allele origin: germline.
Comment: This variant is an out-of-frame deletion of the genomic region encompassing exon 21 of the CNGB1 gene. This is expected to create a premature translational stop signal and result in an absent or disrupted protein product. This variant has not been reported in the literature in individuals with CNGB1-related conditions. Loss-of-function variants in CNGB1 are known to be pathogenic (PMID: 15557452, 24043777). For these reasons, this variant has been classified as Pathogenic.

NC_000016.10:g.(?_57917268)_(57917476_?)del

Gene: CNGB1 (cyclic nucleotide gated channel subunit beta 1; minus strand). Cytogenetic location: 16q21.
Variant type: Deletion.
Identifiers: ClinVar variation 830804 (VCV000830804.1).